The following is an entry in ClinVar:

ClinVar aggregate classification (germline): Uncertain significance (1 of 4 stars; one submission).

Submission:

Labcorp Genetics (formerly Invitae), Labcorp
Classification: Uncertain significance. Last evaluated: 2025-10-14. Review status: criteria provided, single submitter. Criteria: Invitae Variant Classification Sherloc (09022015). Collection method: clinical testing. Allele origin: germline.
Comment: This sequence change replaces proline, which is neutral and non-polar, with alanine, which is neutral and non-polar, at codon 630 of the ENPP1 protein (p.Pro630Ala). This variant is not present in population databases (gnomAD no frequency). This variant has not been reported in the literature in individuals affected with ENPP1-related conditions. Invitae Evidence Modeling of protein sequence and biophysical properties (such as structural, functional, and spatial information, amino acid conservation, physicochemical variation, residue mobility, and thermodynamic stability) indicates that this missense variant is not expected to disrupt ENPP1 protein function with a negative predictive value of 80%. In summary, the available evidence is currently insufficient to determine the role of this variant in disease. Therefore, it has been classified as a Variant of Uncertain Significance.

NM_006208.3(ENPP1):c.1888C>G (p.Pro630Ala)

Gene: ENPP1 (ectonucleotide pyrophosphatase/phosphodiesterase 1; plus strand). Cytogenetic location: 6q23.2.
Variant type: single nucleotide variant.
Coding change: c.1888C>G on transcript NM_006208.3 (MANE Select); coding-DNA position 1888, C replaced by G.
Protein change: p.Pro630Ala; replaces proline 630 with alanine.
Molecular consequence: missense variant.
Genome position (GRCh38, 1-based): chr6:131,877,156, C>G. VCF-style: chr6-131877156-C-G. GRCh37 (hg19) VCF-style: chr6-132198296-C-G.
Other names: short protein forms P630A.
Identifiers: ClinVar variation 4738587 (VCV004738587.1).